The following is an entry in ClinVar:

ClinVar aggregate classification (germline): Uncertain significance. Review status: criteria provided, single submitter (1 of 4 stars). 2 submissions from 2 submitters: Uncertain significance (1). 1 of the submissions does not count toward it. Last evaluated 2021-04-19.

Conditions:
AFF4-related disorder. Also called: AFF4-related condition.

gnomAD v4.1: 19 of 1,610,900 alleles (0.0012%); highest among the groups gnomAD compares: Non-Finnish European, 0.0015%; no homozygotes.

Submissions (2):

Blueprint Genetics
Classification: Uncertain significance. Last evaluated: 2021-04-19. Review status: criteria provided, single submitter. Criteria: ACMG Guidelines, 2015. Collection method: clinical testing. Allele origin: germline.

PreventionGenetics, part of Exact Sciences
Classification: Likely benign for AFF4-related condition. Last evaluated: 2022-07-20. Review status: no assertion criteria provided. Collection method: clinical testing. Allele origin: germline. Not counted in ClinVar's aggregate classification.
Comment: This variant is classified as likely benign based on ACMG/AMP sequence variant interpretation guidelines (Richards et al. 2015 PMID: 25741868, with internal and published modifications).

NM_014423.4(AFF4):c.1227-10T>C

Gene: AFF4 (ALF transcription elongation factor 4; minus strand). Cytogenetic location: 5q31.1.
Variant type: single nucleotide variant.
Coding change: c.1227-10T>C on transcript NM_014423.4 (MANE Select); 10 bases into the intron before coding-DNA position 1227, T replaced by C.
Molecular consequence: intron variant.
Genome position (GRCh38, 1-based): chr5:132,898,402, A>G on the plus strand (T>C on the coding strand, the complement: AFF4 is on the minus strand). VCF-style: chr5-132898402-A-G. GRCh37 (hg19) VCF-style: chr5-132234094-A-G.
Identifiers: ClinVar variation 3357236 (VCV003357236.2).